The following is an entry in ClinVar:

NM_001457.4(FLNB):c.1345+260A>C

Gene: FLNB (filamin B; plus strand). Cytogenetic location: 3p14.3.
Variant type: single nucleotide variant.
Coding change: c.1345+260A>C on transcript NM_001457.4 (MANE Select); 260 bases into the intron after coding-DNA position 1345, A replaced by C.
Molecular consequence: intron variant.
Genome position (GRCh38, 1-based): chr3:58,099,168, A>C. VCF-style: chr3-58099168-A-C. GRCh37 (hg19) VCF-style: chr3-58084895-A-C.
Other names: c.1345+260A>C (NM_001164317.2, NM_001164318.2, NM_001164319.2).
Identifiers: ClinVar variation 683078 (VCV000683078.2), dbSNP rs6785672, ClinGen allele CA11569277.

ClinVar aggregate classification (germline): Benign. Review status: criteria provided, multiple submitters, no conflicts (2 of 4 stars). 2 submissions from 2 submitters: Benign (2). Last evaluated 2018-06-14.

Allele frequency attached by ClinVar (database versions not stated): gnomAD 0.44382 and 0.45530; TOPMed 0.47672; 1000 Genomes Project 30x 0.65287; 1000 Genomes Project 0.65335.
gnomAD v4.1: 69,180 of 151,932 alleles (46%); highest among the groups gnomAD compares: East Asian, 98%; 17,758 homozygotes.

Submissions (2):

GeneDx
Classification: Benign. Last evaluated: 2018-06-14. Review status: criteria provided, single submitter. Criteria: GeneDx Variant Classification (06012015). Collection method: clinical testing. Allele origin: germline. Affected: yes.
Comment: This variant is considered likely benign or benign based on one or more of the following criteria: it is a conservative change, it occurs at a poorly conserved position in the protein, it is predicted to be benign by multiple in silico algorithms, and/or has population frequency not consistent with disease.

Breakthrough Genomics
Classification: Benign. Review status: criteria provided, single submitter. Criteria: ACMG Guidelines, 2015. Collection method: not provided. Allele origin: germline. Inheritance: Autosomal recessive inheritance. Affected: yes.